The following is an entry in ClinVar:

ClinVar aggregate classification (germline): Uncertain significance. Review status: criteria provided, multiple submitters, no conflicts (2 of 4 stars). 2 submissions from 2 submitters: Uncertain significance (2). Last evaluated 2024-04-18.

Conditions:
Beckwith-Wiedemann syndrome (BWS). Also called: Exomphalos macroglossia gigantism syndrome; EMG SYNDROME. Identifiers: Orphanet 116, MedGen C0004903, MONDO:0007534, OMIM 130650.

Allele frequency attached by ClinVar (database versions not stated): gnomAD exomes below 0.00001; TOPMed below 0.00001.
gnomAD v4.1: 1 of 1,458,300 alleles (0.000069%); highest among the groups gnomAD compares: Middle Eastern, 0.024%; no homozygotes.

Submissions (2):

Labcorp Genetics (formerly Invitae), Labcorp
Classification: Uncertain significance for Beckwith-Wiedemann syndrome. Last evaluated: 2024-04-18. Review status: criteria provided, single submitter. Criteria: Invitae Variant Classification Sherloc (09022015). Collection method: clinical testing. Allele origin: germline.
Comment: This sequence change replaces aspartic acid, which is acidic and polar, with asparagine, which is neutral and polar, at codon 127 of the CDKN1C protein (p.Asp127Asn). This variant is not present in population databases (gnomAD no frequency). This variant has not been reported in the literature in individuals affected with CDKN1C-related conditions. Advanced modeling of protein sequence and biophysical properties (such as structural, functional, and spatial information, amino acid conservation, physicochemical variation, residue mobility, and thermodynamic stability) performed at Invitae indicates that this missense variant is not expected to disrupt CDKN1C protein function with a negative predictive value of 80%. In summary, the available evidence is currently insufficient to determine the role of this variant in disease. Therefore, it has been classified as a Variant of Uncertain Significance.

Baylor Genetics
Classification: Uncertain significance for Beckwith-Wiedemann syndrome. Last evaluated: 2024-02-12. Review status: criteria provided, single submitter. Criteria: ACMG Guidelines, 2015. Collection method: clinical testing. Allele origin: unknown.

NM_001122630.2(CDKN1C):c.346G>A (p.Asp116Asn)

Gene: CDKN1C (cyclin dependent kinase inhibitor 1C; minus strand). Cytogenetic location: 11p15.4.
Variant type: single nucleotide variant.
Coding change: c.346G>A on transcript NM_001122630.2 (MANE Select); coding-DNA position 346, G replaced by A.
Protein change: p.Asp116Asn; replaces aspartic acid 116 with asparagine.
Molecular consequence: missense variant. On other transcripts: intron variant (1).
Genome position (GRCh38, 1-based): chr11:2,885,111, C>T on the plus strand (G>A on the coding strand, the complement: CDKN1C is on the minus strand). VCF-style: chr11-2885111-C-T. GRCh37 (hg19) VCF-style: chr11-2906341-C-T.
Other names: c.379G>A, p.Asp127Asn (NM_000076.2, NM_001362474.2); c.346G>A, p.Asp116Asn (NM_001122631.2); c.255+91G>A (NM_001362475.2); short protein forms D116N, D127N.
Identifiers: ClinVar variation 3241066 (VCV003241066.3), dbSNP rs1848960618.
Genomic context (GRCh38, chr11:2,885,111, plus strand): 5'-TGGACGCCGGGGCCGGGACCGGGACACTAGGCAGCTGCTCCGGCGCCTCCTCGAGGCCGT[C>T]GAGGGACTCAGCGGCCGGCTCGAGGGGCGGGCTGACAGCCACCGCGACCGCGACGGGCCG-3'
Protein context (NP_001116102.1, residues 106-126): PPLEPAAESL[Asp116Asn]GLEEAPEQLP